The following is an entry in ClinVar:

NM_000059.4(BRCA2):c.201_206delinsTTTTA (p.Arg67fs)

Gene: BRCA2 (BRCA2 DNA repair associated; plus strand). Cytogenetic location: 13q13.1.
Variant type: Indel.
Coding change: c.201_206delinsTTTTA on transcript NM_000059.4 (MANE Select); coding-DNA positions 201 to 206, GAAACC replaced by TTTTA.
Protein change: p.Arg67fs; shifts the reading frame from arginine 67.
Molecular consequence: frameshift variant. On other transcripts: 5 prime UTR variant (1), non-coding transcript variant (1).
Genome position (GRCh38, 1-based): chr13:32,319,210-32,319,215, GAAACC replaced by TTTTA. VCF-style: chr13-32319210-GAAACC-TTTTA. GRCh37 (hg19) VCF-style: chr13-32893347-GAAACC-TTTTA.
Other names: c.201_206delinsTTTTA, p.Arg67fs (NM_001406719.1, NM_001406720.1, NM_001406721.1 and 1 more transcripts); c.-169_-164delinsTTTTA (NM_001406722.1); short protein forms R67fs.
Identifiers: ClinVar variation 3825417 (VCV003825417.1).
Genomic context (GRCh38, chr13:32,319,210, plus strand): 5'-AGAAGAATCTGAACATAAAAACAACAATTACGAACCAAACCTATTTAAAACTCCACAAAG[GAAACC>TTTTA]ATCTTATAATCAGCTGGCTTCAACTCCAATAATATTCAAAGAGCAAGGGCTGACTCTGCC-3'

ClinVar aggregate classification (germline): Pathogenic (1 of 4 stars; one submission).

Conditions:
Hereditary cancer-predisposing syndrome. Also called: Hereditary neoplastic syndrome; Neoplastic Syndromes, Hereditary; Tumor predisposition; Hereditary Cancer Syndrome. Identifiers: Orphanet 140162, MedGen C0027672, MeSH D009386, MONDO:0015356.

Submission:

Ambry Genetics
Classification: Pathogenic for Hereditary cancer-predisposing syndrome. Last evaluated: 2025-01-20. Review status: criteria provided, single submitter. Criteria: Ambry Variant Classification Scheme 2023. Collection method: clinical testing. Allele origin: germline.
Comment: The c.201_206delGAAACCinsTTTTA pathogenic mutation, located in coding exon 2 of the BRCA2 gene, results from the deletion of 6 nucleotides and insertion of 5 nucleotides causing a translational frameshift with a predicted alternate stop codon (p.R67Sfs*13). This variant is considered to be rare based on population cohorts in the Genome Aggregation Database (gnomAD). This alteration is expected to result in loss of function by premature protein truncation or nonsense-mediated mRNA decay. As such, this alteration is interpreted as a disease-causing mutation.